The following is an entry in ClinVar:

NM_000063.6(C2):c.1965C>T (p.Val655=)

Gene: C2 (complement C2; plus strand). Cytogenetic location: 6p21.33.
Variant type: single nucleotide variant.
Coding change: c.1965C>T on transcript NM_000063.6 (MANE Select); coding-DNA position 1965, C replaced by T.
Protein change: p.Val655=; no amino-acid change (valine 655 retained).
Molecular consequence: synonymous variant.
Genome position (GRCh38, 1-based): chr6:31,944,789, C>T. VCF-style: chr6-31944789-C-T. GRCh37 (hg19) VCF-style: chr6-31912566-C-T.
Other names: c.1569C>T, p.Val523= (NM_001145903.3); c.1323C>T, p.Val441= (NM_001178063.3); c.1227C>T, p.Val409= (NM_001282457.2); c.1878C>T, p.Val626= (NM_001282458.2); c.1965C>T (NM_000063.5).
Identifiers: ClinVar variation 1549553 (VCV001549553.11), dbSNP rs141487807, ClinGen allele CA3727842.

ClinVar aggregate classification (germline): Likely benign. Review status: criteria provided, multiple submitters, no conflicts (2 of 4 stars). 3 submissions from 3 submitters: Likely benign (2). 1 of the submissions does not count toward it. Last evaluated 2025-11-23.

Conditions:
C2-related disorder. Also called: C2-related disorders; C2-related condition.

Allele frequency attached by ClinVar (database versions not stated): gnomAD exomes 0.00003 and 0.00007; ExAC 0.00010; gnomAD 0.00028 and 0.00029; TOPMed 0.00028; 1000 Genomes Project 30x 0.00031; ESP Exome Variant Server 0.00036; 1000 Genomes Project 0.00040.
gnomAD v4.1: 82 of 1,613,078 alleles (0.0051%); highest among the groups gnomAD compares: African/African-American, 0.1%; no homozygotes.

Submissions (3):

Labcorp Genetics (formerly Invitae), Labcorp
Classification: Likely benign. Last evaluated: 2025-11-23. Review status: criteria provided, single submitter. Criteria: Invitae Variant Classification Sherloc (09022015). Collection method: clinical testing. Allele origin: germline.

Blueprint Genetics
Classification: Likely benign. Last evaluated: 2022-08-08. Review status: criteria provided, single submitter. Criteria: ACMG Guidelines, 2015. Collection method: clinical testing. Allele origin: germline.

PreventionGenetics, part of Exact Sciences
Classification: Likely benign for C2-related condition. Last evaluated: 2019-06-05. Review status: no assertion criteria provided. Collection method: clinical testing. Allele origin: germline. Not counted in ClinVar's aggregate classification.
Comment: This variant is classified as likely benign based on ACMG/AMP sequence variant interpretation guidelines (Richards et al. 2015 PMID: 25741868, with internal and published modifications).